The following is an entry in ClinVar:

NM_001033855.3(DCLRE1C):c.1931A>T (p.Asp644Val)

Gene: DCLRE1C (DNA cross-link repair 1C; minus strand). Cytogenetic location: 10p13.
Variant type: single nucleotide variant.
Coding change: c.1931A>T on transcript NM_001033855.3 (MANE Select); coding-DNA position 1931, A replaced by T.
Protein change: p.Asp644Val; replaces aspartic acid 644 with valine.
Molecular consequence: missense variant. On other transcripts: non-coding transcript variant (3), intron variant (3).
Genome position (GRCh38, 1-based): chr10:14,908,556, T>A on the plus strand (A>T on the coding strand, the complement: DCLRE1C is on the minus strand). VCF-style: chr10-14908556-T-A. GRCh37 (hg19) VCF-style: chr10-14950555-T-A.
Other names: c.1571A>T, p.Asp524Val (NM_001033857.3, NM_001033858.3, NM_001289077.2 and 1 more transcripts); c.1586A>T, p.Asp529Val (NM_001289076.2, NM_001289078.2, NM_022487.4); c.1437+149A>T (NM_001350966.2); c.1782+149A>T (NM_001350965.2); c.1422+149A>T (NM_001350967.2); short protein forms D529V, D524V, D644V.
Identifiers: ClinVar variation 4738732 (VCV004738732.1).

ClinVar aggregate classification (germline): Uncertain significance (1 of 4 stars; one submission).

Conditions:
Severe combined immunodeficiency due to DCLRE1C deficiency (RS-SCID). Also called: SCID, AUTOSOMAL RECESSIVE, T CELL-NEGATIVE, B CELL-NEGATIVE, NK CELL-POSITIVE, WITH SENSITIVITY TO IONIZING RADIATION. Identifiers: Orphanet 275, MedGen C1865371, MONDO:0011225, OMIM 602450.

gnomAD v4.1: 1 of 1,614,148 alleles (0.000062%); highest among the groups gnomAD compares: Admixed American, 0.0017%; no homozygotes.

Submission:

Labcorp Genetics (formerly Invitae), Labcorp
Classification: Uncertain significance for Athabaskan severe combined immunodeficiency. Last evaluated: 2025-09-10. Review status: criteria provided, single submitter. Criteria: Invitae Variant Classification Sherloc (09022015). Collection method: clinical testing. Allele origin: germline.
Comment: This sequence change replaces aspartic acid, which is acidic and polar, with valine, which is neutral and non-polar, at codon 644 of the DCLRE1C protein (p.Asp644Val). This variant is present in population databases (rs779125452, gnomAD 0.003%). This variant has not been reported in the literature in individuals affected with DCLRE1C-related conditions. An algorithm developed to predict the effect of missense changes on protein structure and function (PolyPhen-2) suggests that this variant is likely to be disruptive. In summary, the available evidence is currently insufficient to determine the role of this variant in disease. Therefore, it has been classified as a Variant of Uncertain Significance.